The following is an entry in ClinVar:

NM_001205293.3(CACNA1E):c.4555A>T (p.Met1519Leu)

Gene: CACNA1E (calcium voltage-gated channel subunit alpha1 E; plus strand). Cytogenetic location: 1q25.3.
Variant type: single nucleotide variant.
Coding change: c.4555A>T on transcript NM_001205293.3 (MANE Select); coding-DNA position 4555, A replaced by T.
Protein change: p.Met1519Leu; replaces methionine 1519 with leucine.
Molecular consequence: missense variant.
Genome position (GRCh38, 1-based): chr1:181,758,818, A>T. VCF-style: chr1-181758818-A-T. GRCh37 (hg19) VCF-style: chr1-181727954-A-T.
Other names: c.4555A>T, p.Met1519Leu (NM_000721.4); c.4498A>T, p.Met1500Leu (NM_001205294.2); short protein forms M1500L, M1519L.
Identifiers: ClinVar variation 4700877 (VCV004700877.1).

ClinVar aggregate classification (germline): Uncertain significance (1 of 4 stars; one submission).

Submission:

Labcorp Genetics (formerly Invitae), Labcorp
Classification: Uncertain significance. Last evaluated: 2025-07-27. Review status: criteria provided, single submitter. Criteria: Invitae Variant Classification Sherloc (09022015). Collection method: clinical testing. Allele origin: germline.
Comment: This sequence change replaces methionine, which is neutral and non-polar, with leucine, which is neutral and non-polar, at codon 1519 of the CACNA1E protein (p.Met1519Leu). This variant is not present in population databases (gnomAD no frequency). This variant has not been reported in the literature in individuals affected with CACNA1E-related conditions. Invitae Evidence Modeling of protein sequence and biophysical properties (such as structural, functional, and spatial information, amino acid conservation, physicochemical variation, residue mobility, and thermodynamic stability) has been performed for this missense variant. However, the output from this modeling did not meet the statistical confidence thresholds required to predict the impact of this variant on CACNA1E protein function. In summary, the available evidence is currently insufficient to determine the role of this variant in disease. Therefore, it has been classified as a Variant of Uncertain Significance.